The following is an entry in ClinVar:

NM_005883.3(APC2):c.916G>A (p.Val306Met)

Gene: APC2 (APC regulator of Wnt signaling pathway 2; plus strand). Cytogenetic location: 19p13.3.
Variant type: single nucleotide variant.
Coding change: c.916G>A on transcript NM_005883.3 (MANE Select); coding-DNA position 916, G replaced by A.
Protein change: p.Val306Met; replaces valine 306 with methionine.
Molecular consequence: missense variant.
Genome position (GRCh38, 1-based): chr19:1,456,952, G>A. VCF-style: chr19-1456952-G-A. GRCh37 (hg19) VCF-style: chr19-1456951-G-A.
Other names: c.916G>A (NM_005883.2); c.913G>A, p.Val305Met (NM_001351273.1); short protein forms V305M, V306M.
Identifiers: ClinVar variation 2187824 (VCV002187824.3), dbSNP rs560844801, ClinGen allele CA9044931.

ClinVar aggregate classification (germline): Uncertain significance. Review status: criteria provided, multiple submitters, no conflicts (2 of 4 stars). 2 submissions from 2 submitters: Uncertain significance (2). Last evaluated 2025-01-27.

Conditions:
Inborn genetic diseases. Identifiers: MedGen C0950123, MeSH D030342.

Allele frequency attached by ClinVar (database versions not stated): gnomAD 0.00001; TOPMed 0.00003; 1000 Genomes Project 30x 0.00031; 1000 Genomes Project 0.00040.
gnomAD v4.1: 31 of 1,548,112 alleles (0.002%); highest among the groups gnomAD compares: South Asian, 0.027%; no homozygotes.

Submissions (2):

Labcorp Genetics (formerly Invitae), Labcorp
Classification: Uncertain significance. Last evaluated: 2025-01-27. Review status: criteria provided, single submitter. Criteria: Invitae Variant Classification Sherloc (09022015). Collection method: clinical testing. Allele origin: germline.
Comment: This sequence change replaces valine, which is neutral and non-polar, with methionine, which is neutral and non-polar, at codon 306 of the APC2 protein (p.Val306Met). This variant is present in population databases (rs560844801, gnomAD 0.004%). This variant has not been reported in the literature in individuals affected with APC2-related conditions. ClinVar contains an entry for this variant (Variation ID: 2187824). Invitae Evidence Modeling of protein sequence and biophysical properties (such as structural, functional, and spatial information, amino acid conservation, physicochemical variation, residue mobility, and thermodynamic stability) indicates that this missense variant is expected to disrupt APC2 protein function with a positive predictive value of 80%. In summary, the available evidence is currently insufficient to determine the role of this variant in disease. Therefore, it has been classified as a Variant of Uncertain Significance.

Ambry Genetics
Classification: Uncertain significance for Inborn genetic diseases. Last evaluated: 2024-05-30. Review status: criteria provided, single submitter. Criteria: Ambry Variant Classification Scheme 2023. Collection method: clinical testing. Allele origin: germline.